The following is an entry in ClinVar:

ClinVar aggregate classification (germline): Conflicting classifications of pathogenicity. Review status: criteria provided, conflicting classifications (1 of 4 stars). 3 submissions from 3 submitters: Uncertain significance (1); Benign (1); Likely benign (1). Last evaluated 2025-05-14.

Conditions:
Emery-Dreifuss muscular dystrophy 5, autosomal dominant (EDMD5). Also called: EMERY-DREIFUSS MUSCULAR DYSTROPHY 5. Identifiers: Orphanet 261, MedGen C2751805, MONDO:0013072, OMIM 612999.

Allele frequency attached by ClinVar (database versions not stated): TOPMed 0.00003; gnomAD 0.00006 and 0.00014; gnomAD exomes 0.00008 and 0.00029; ExAC 0.00019; 1000 Genomes Project 30x 0.00078; 1000 Genomes Project 0.00100.
gnomAD v4.1: 427 of 1,614,042 alleles (0.026%); highest among the groups gnomAD compares: East Asian, 0.95%; 3 homozygotes.

Submissions (3):

Labcorp Genetics (formerly Invitae), Labcorp
Classification: Likely benign for Emery-Dreifuss muscular dystrophy 5, autosomal dominant. Last evaluated: 2025-05-14. Review status: criteria provided, single submitter. Criteria: Invitae Variant Classification Sherloc (09022015). Collection method: clinical testing. Allele origin: germline.

Revvity Omics, Revvity
Classification: Uncertain significance for Emery-Dreifuss muscular dystrophy 5, autosomal dominant. Last evaluated: 2020-03-03. Review status: criteria provided, single submitter. Criteria: ACMG Guidelines, 2015. Collection method: clinical testing. Allele origin: germline.

Illumina Laboratory Services, Illumina
Classification: Benign for Emery-Dreifuss muscular dystrophy 5, autosomal dominant. Last evaluated: 2018-01-13. Review status: criteria provided, single submitter. Criteria: ICSL Variant Classification Criteria 13 December 2019. Collection method: clinical testing. Allele origin: germline.
Comment: This variant was observed in the ICSL laboratory as part of a predisposition screen in an ostensibly healthy population. It had not been previously curated by ICSL or reported in the Human Gene Mutation Database (HGMD: prior to June 1st, 2018), and was therefore a candidate for classification through an automated scoring system. Utilizing variant allele frequency, disease prevalence and penetrance estimates, and inheritance mode, an automated score was calculated to assess if this variant is too frequent to cause the disease. Based on the score and internal cut-off values, a variant classified as benign is not then subjected to further curation. The score for this variant resulted in a classification of benign for this disease.

NM_182914.3(SYNE2):c.5893A>G (p.Lys1965Glu)

Gene: SYNE2 (spectrin repeat containing nuclear envelope protein 2; plus strand). Cytogenetic location: 14q23.2.
Variant type: single nucleotide variant.
Coding change: c.5893A>G on transcript NM_182914.3 (MANE Select); coding-DNA position 5893, A replaced by G.
Protein change: p.Lys1965Glu; replaces lysine 1965 with glutamic acid.
Molecular consequence: missense variant.
Genome position (GRCh38, 1-based): chr14:64,024,964, A>G. VCF-style: chr14-64024964-A-G. GRCh37 (hg19) VCF-style: chr14-64491682-A-G.
Other names: c.5893A>G, p.Lys1965Glu (NM_015180.6); short protein forms K1965E.
Identifiers: ClinVar variation 313519 (VCV000313519.17), dbSNP rs80046702, ClinGen allele CA7220583.